The following is an entry in ClinVar:

NM_015102.5(NPHP4):c.3570A>G (p.Glu1190=)

Gene: NPHP4 (nephrocystin 4; minus strand). Cytogenetic location: 1p36.31.
Variant type: single nucleotide variant.
Coding change: c.3570A>G on transcript NM_015102.5 (MANE Select); coding-DNA position 3570, A replaced by G.
Protein change: p.Glu1190=; no amino-acid change (glutamic acid 1190 retained).
Molecular consequence: synonymous variant. On other transcripts: non-coding transcript variant (1).
Genome position (GRCh38, 1-based): chr1:5,866,447, T>C on the plus strand (A>G on the coding strand, the complement: NPHP4 is on the minus strand). VCF-style: chr1-5866447-T-C. GRCh37 (hg19) VCF-style: chr1-5926507-T-C.
Other names: p.Glu1190=; c.2031A>G, p.Glu677= (NM_001291593.2); c.2034A>G, p.Glu678= (NM_001291594.2).
Identifiers: ClinVar variation 95683 (VCV000095683.32), dbSNP rs555164, ClinGen allele CA148747.

ClinVar aggregate classification (germline): Benign. Review status: criteria provided, multiple submitters, no conflicts (2 of 4 stars). 13 submissions from 12 submitters: Benign (10). 3 of the submissions do not count toward it. Last evaluated 2026-02-04.

Conditions:
Senior-Loken syndrome 4 (SLSN4). Identifiers: Orphanet 3156, MedGen C1846979, MONDO:0011756, OMIM 606996.
Nephronophthisis 4 (NPHP4). Also called: NEPHRONOPHTHISIS 4, JUVENILE. Identifiers: Orphanet 655, MedGen C1847013, MONDO:0011752, OMIM 606966.
Nephronophthisis. Also called: Juvenile Nephronophthisis. Identifiers: Orphanet 655, MedGen C0687120, MONDO:0019005, HP:0000090.

Allele frequency attached by ClinVar (database versions not stated): 1000 Genomes Project 30x 0.31496; 1000 Genomes Project 0.31969; TOPMed 0.34038; ESP Exome Variant Server 0.34902; gnomAD 0.35094 and 0.35239; gnomAD exomes 0.39261; ExAC 0.46043.
gnomAD v4.1: 639,624 of 1,588,154 alleles (40%); highest among the groups gnomAD compares: South Asian, 43%; 131,883 homozygotes.

Submissions (13):

Labcorp Genetics (formerly Invitae), Labcorp
Classification: Benign for Nephronophthisis. Last evaluated: 2026-02-04. Review status: criteria provided, single submitter. Criteria: Invitae Variant Classification Sherloc (09022015). Collection method: clinical testing. Allele origin: germline.

Blueprint Genetics
Classification: Benign. Last evaluated: 2024-11-26. Review status: criteria provided, single submitter. Criteria: ACMG Guidelines, 2015. Collection method: clinical testing. Allele origin: germline.

Mayo Clinic Laboratories, Mayo Clinic
Classification: Benign. Last evaluated: 2022-05-05. Review status: criteria provided, single submitter. Criteria: ACMG Guidelines, 2015. Collection method: clinical testing. Allele origin: germline. Observed: 429 variant alleles.

Genome-Nilou Lab
Classification: Benign for Nephronophthisis 4. Last evaluated: 2021-09-05. Review status: criteria provided, single submitter. Criteria: ACMG Guidelines, 2015. Collection method: clinical testing. Allele origin: germline. Affected: no.

GeneDx
Classification: Benign. Last evaluated: 2021-05-04. Review status: criteria provided, single submitter. Criteria: GeneDx Variant Classification Process June 2021. Collection method: clinical testing. Allele origin: germline. Affected: yes.

Illumina Laboratory Services, Illumina
Classification: Benign for Senior-Loken syndrome 4. Last evaluated: 2018-01-13. Review status: criteria provided, single submitter. Criteria: ICSL Variant Classification Criteria 13 December 2019. Collection method: clinical testing. Allele origin: germline.
Comment: This variant was observed in the ICSL laboratory as part of a predisposition screen in an ostensibly healthy population. It had not been previously curated by ICSL or reported in the Human Gene Mutation Database (HGMD: prior to June 1st, 2018), and was therefore a candidate for classification through an automated scoring system. Utilizing variant allele frequency, disease prevalence and penetrance estimates, and inheritance mode, an automated score was calculated to assess if this variant is too frequent to cause the disease. Based on the score and internal cut-off values, a variant classified as benign is not then subjected to further curation. The score for this variant resulted in a classification of benign for this disease.

Illumina Laboratory Services, Illumina
Classification: Benign for Nephronophthisis 4. Last evaluated: 2018-01-13. Review status: criteria provided, single submitter. Criteria: ICSL Variant Classification Criteria 13 December 2019. Collection method: clinical testing. Allele origin: germline.
Comment: the same text as in the submission from Illumina Laboratory Services, Illumina above.

Eurofins Ntd Llc (ga)
Classification: Benign. Last evaluated: 2013-10-01. Review status: criteria provided, single submitter. Criteria: EGL Classification Definitions 2015. Collection method: clinical testing. Allele origin: germline. Observed: 25 variant alleles, 23 heterozygotes, 2 homozygotes.

Breakthrough Genomics
Classification: Benign. Review status: criteria provided, single submitter. Criteria: ACMG Guidelines, 2015. Collection method: not provided. Allele origin: germline. Inheritance: Autosomal recessive inheritance. Affected: yes.

PreventionGenetics, part of Exact Sciences
Classification: Benign. Review status: criteria provided, single submitter. Criteria: ACMG Guidelines, 2015. Collection method: clinical testing. Allele origin: germline.

Clinical Genetics DNA and cytogenetics Diagnostics Lab, Erasmus MC, Erasmus Medical Center
Classification: Benign. Review status: no assertion criteria provided. Collection method: clinical testing. Allele origin: germline. Affected: yes. Study: VKGL Data-share Consensus. Not counted in ClinVar's aggregate classification.

Diagnostic Laboratory, Department of Genetics, University Medical Center Groningen
Classification: Benign. Review status: no assertion criteria provided. Collection method: clinical testing. Allele origin: germline. Affected: yes. Study: VKGL Data-share Consensus. Not counted in ClinVar's aggregate classification.

Joint Genome Diagnostic Labs from Nijmegen and Maastricht, Radboudumc and MUMC+
Classification: Benign. Review status: no assertion criteria provided. Collection method: clinical testing. Allele origin: germline. Affected: yes. Study: VKGL Data-share Consensus. Not counted in ClinVar's aggregate classification.